The following is an entry in ClinVar:

ClinVar aggregate classification (germline): Likely pathogenic (1 of 4 stars; one submission).

Conditions:
Peripheral neuropathy. Also called: Neuropathy. Identifiers: MedGen C0031117, MONDO:0005244, HP:0009830.
Sensory neuropathy. Identifiers: MedGen C0151313, MONDO:0002321, HP:0000763.

Allele frequency attached by ClinVar (database versions not stated): ExAC 0.00001; gnomAD 0.00001; TOPMed 0.00001; gnomAD exomes 0.00003 and 0.00004.
gnomAD v4.1: 52 of 1,593,328 alleles (0.0033%); highest among the groups gnomAD compares: Non-Finnish European, 0.0042%; no homozygotes.

Submission:

Lupski Lab, Baylor-Hopkins CMG, Baylor College of Medicine
Classification: Likely pathogenic for Peripheral neuropathy; Sensory neuropathy. Last evaluated: 2015-08-18. Review status: criteria provided, single submitter. Criteria: Gonzaga-Jauregui et al. (Cell Rep. 2015). Collection method: research. Allele origin: germline. Inheritance: Autosomal dominant inheritance. Affected: yes. Observed: 1 variant allele, 1 heterozygote.
Comment: Likely pathogenic based on conservation and prediction scores (Phylop, LRT, Polyphen, MutationTaster). Supported by literature indicating interaction with known neuropathy genes, and by zebrafish functional assay (PMID: 26257172).

NM_018327.4(SPTLC3):c.448T>C (p.Trp150Arg)

Gene: SPTLC3 (serine palmitoyltransferase long chain base subunit 3; plus strand). Cytogenetic location: 20p12.1.
Variant type: single nucleotide variant.
Coding change: c.448T>C on transcript NM_018327.4 (MANE Select); coding-DNA position 448, T replaced by C.
Protein change: p.Trp150Arg; replaces tryptophan 150 with arginine.
Molecular consequence: missense variant.
Genome position (GRCh38, 1-based): chr20:13,072,400, T>C. VCF-style: chr20-13072400-T-C. GRCh37 (hg19) VCF-style: chr20-13053048-T-C.
Other names: c.448T>C, p.Trp150Arg (NM_001349945.2); short protein forms W150R.
Identifiers: ClinVar variation 243088 (VCV000243088.1), dbSNP rs755919784, ClinGen allele CA9765701.